The following is an entry in ClinVar:

ClinVar aggregate classification (germline): Conflicting classifications of pathogenicity. Review status: criteria provided, conflicting classifications (1 of 4 stars). 9 submissions from 9 submitters: Uncertain significance (7); Likely benign (2). Last evaluated 2026-10-01.

Conditions:
Gastrointestinal stromal tumor. Also called: Gastrointestinal stroma tumor; Gastrointestinal stromal tumor, somatic. Identifiers: Orphanet 44890, MedGen C0238198, MeSH D046152, MONDO:0011719, OMIM 606764, HP:0100723.
Germ cell tumor of testis (TGCT). Also called: Testicular germ cell tumor; GERM CELL TUMOR, SOMATIC. Identifiers: Orphanet 363504, MedGen C1336708, MONDO:0010108, OMIM 273300.
Cutaneous mastocytosis. Also called: MASTOCYTOSIS, MACULOPAPULAR CUTANEOUS. Identifiers: Orphanet 66646, MedGen C1136033, MONDO:0019023, OMIM 154800, HP:0200151.
Piebaldism. Also called: Piebald skin depigmentation. Identifiers: Orphanet 2884, MedGen C0080024, MONDO:0008244, OMIM 172800, HP:0007544.
Acute myeloid leukemia (AML). Also called: Leukemia, acute myeloid, somatic; Leukemia, acute myelogenous, somatic; Acute myeloid leukemia, adult; AML adult; Acute non-lymphocytic leukemia; Acute granulocytic leukemia. Identifiers: Orphanet 519, MedGen C0023467, MeSH D015470, MONDO:0018874, OMIM 601626, HP:0004808. Disease mechanism: Constitutively activated FLT3.
Hereditary cancer-predisposing syndrome. Also called: Hereditary neoplastic syndrome; Neoplastic Syndromes, Hereditary; Hereditary Cancer Syndrome; Tumor predisposition. Identifiers: Orphanet 140162, MedGen C0027672, MeSH D009386, MONDO:0015356.
KIT-related disorder. Also called: KIT-related condition.

Allele frequency attached by ClinVar (database versions not stated): gnomAD exomes 0.00003 and 0.00010; gnomAD 0.00004 and 0.00005; ExAC 0.00005; TOPMed 0.00005.
gnomAD v4.1: 146 of 1,613,960 alleles (0.009%); highest among the groups gnomAD compares: Non-Finnish European, 0.012%; no homozygotes.

Submissions (9):

St. Jude Molecular Pathology, St. Jude Children's Research Hospital
Classification: Uncertain significance for Gastrointestinal stromal tumor. Last evaluated: 2026-10-01. Review status: criteria provided, single submitter. Criteria: St. Jude Assertion Criteria 2020. Collection method: clinical testing. Allele origin: germline.
Comment: The KIT c.2663G>A p.(Arg888Gln) missense change has a maximum subpopulation frequency of 0.006% in gnomAD v2.1.1. The in silico tool REVEL is inconclusive about a pathogenic or benign effect of this variant on protein function, and to our knowledge functional studies have not been performed. To our knowledge, this variant has not been reported in individuals with KIT-related gastrointestinal stromal tumor. In summary, the evidence currently available is insufficient to determine the clinical significance of this vari ant. It has therefore been classified as of uncertain significance (VUS-Low).

Myriad Genetics, Inc.
Classification: Likely benign for Gastrointestinal stromal tumor. Last evaluated: 2026-06-01. Review status: criteria provided, single submitter. Criteria: Myriad Autosomal Dominant, Autosomal Recessive and X-Linked Classification Criteria (2023). Collection method: clinical testing. Allele origin: unknown.
Comment: This variant is considered likely benign. This variant has been observed at a population frequency that is significantly greater than expected given the associated disease prevalence and penetrance.

Labcorp Genetics (formerly Invitae), Labcorp
Classification: Uncertain significance for Gastrointestinal stromal tumor. Last evaluated: 2026-01-27. Review status: criteria provided, single submitter. Criteria: Invitae Variant Classification Sherloc (09022015). Collection method: clinical testing. Allele origin: germline.
Comment: This sequence change replaces arginine, which is basic and polar, with glutamine, which is neutral and polar, at codon 888 of the KIT protein (p.Arg888Gln). This variant is present in population databases (rs776681643, gnomAD 0.006%). This missense change has been observed in individual(s) with melanoma, bone marrow failure, and colorectal cancer (PMID: 23020152, 29146883, 29625052, 36451132). ClinVar contains an entry for this variant (Variation ID: 409758). An algorithm developed to predict the effect of missense changes on protein structure and function (PolyPhen-2) suggests that this variant is likely to be disruptive. Experimental studies have shown that this missense change does not substantially affect KIT function (PMID: 23020152). In summary, the available evidence is currently insufficient to determine the role of this variant in disease. Therefore, it has been classified as a Variant of Uncertain Significance.

PreventionGenetics, part of Exact Sciences
Classification: Uncertain significance for KIT-related condition. Last evaluated: 2025-03-10. Review status: criteria provided, single submitter. Criteria: ACMG Guidelines, 2015. Collection method: clinical testing. Allele origin: germline.
Comment: The KIT c.2663G>A variant is predicted to result in the amino acid substitution p.Arg888Gln. This variant was reported in an individual with bone marrow failure (Supplemental Talbe 9, Bluteau et al. 2018. PubMed ID: 29146883) and in an individual with colon adenocarcinoma (Supplemental Table S2B, Huang et al. 2018. PubMed ID: 29625052; Table S2B, Yang et al. 2022. PubMed ID: 36451132). This variant is reported in 0.0062% of alleles in individuals of European (Non-Finnish) descent in gnomAD and is interpreted as uncertain in ClinVar. At this time, the clinical significance of this variant is uncertain due to the absence of conclusive functional and genetic evidence.

Ambry Genetics
Classification: Likely benign for Hereditary cancer-predisposing syndrome. Last evaluated: 2024-12-16. Review status: criteria provided, single submitter. Criteria: Ambry Variant Classification Scheme 2023. Collection method: clinical testing. Allele origin: germline.

Blueprint Genetics
Classification: Uncertain significance. Last evaluated: 2024-04-25. Review status: criteria provided, single submitter. Criteria: ACMG Guidelines, 2015. Collection method: clinical testing. Allele origin: germline.

Fulgent Genetics
Classification: Uncertain significance for Cutaneous mastocytosis; Piebaldism; Germ cell tumor of testis; Acute myeloid leukemia; Gastrointestinal stromal tumor. Last evaluated: 2024-04-22. Review status: criteria provided, single submitter. Criteria: ACMG Guidelines, 2015. Collection method: clinical testing. Allele origin: germline.

Baylor Genetics
Classification: Uncertain significance for Gastrointestinal stromal tumor. Last evaluated: 2023-10-30. Review status: criteria provided, single submitter. Criteria: ACMG Guidelines, 2015. Collection method: clinical testing. Allele origin: unknown.

GeneDx
Classification: Uncertain significance. Last evaluated: 2022-05-20. Review status: criteria provided, single submitter. Criteria: GeneDx Variant Classification Process June 2021. Collection method: clinical testing. Allele origin: germline. Affected: yes.
Comment: In silico analysis supports that this missense variant does not alter protein structure/function; Observed in individuals with a personal or family history including colon cancer and bone marrow failure (Bluteau et al., 2018; Huang et al., 2018); This variant is associated with the following publications: (PMID: 29146883, 29625052)

Literature cited by the submitters: PubMed 23020152 (cited by Labcorp Genetics (formerly Invitae), Labcorp); PubMed 29146883 (cited by Labcorp Genetics (formerly Invitae), Labcorp); PubMed 29625052 (cited by Labcorp Genetics (formerly Invitae), Labcorp); PubMed 36451132 (cited by Labcorp Genetics (formerly Invitae), Labcorp).

NM_000222.3(KIT):c.2663G>A (p.Arg888Gln)

Gene: KIT (KIT proto-oncogene, receptor tyrosine kinase; plus strand). Cytogenetic location: 4q12.
Variant type: single nucleotide variant.
Coding change: c.2663G>A on transcript NM_000222.3 (MANE Select); coding-DNA position 2663, G replaced by A.
Protein change: p.Arg888Gln; replaces arginine 888 with glutamine.
Molecular consequence: missense variant.
Genome position (GRCh38, 1-based): chr4:54,736,787, G>A. VCF-style: chr4-54736787-G-A. GRCh37 (hg19) VCF-style: chr4-55602953-G-A.
Other names: c.2651G>A, p.Arg884Gln (NM_001093772.2, NM_001385292.1); c.2666G>A, p.Arg889Gln (NM_001385284.1); c.2660G>A, p.Arg887Gln (NM_001385285.1); c.2648G>A, p.Arg883Gln (NM_001385286.1); c.2654G>A, p.Arg885Gln (NM_001385288.1); c.2663G>A, p.Arg888Gln (NM_001385290.1); short protein forms R888Q, R884Q, R883Q, R885Q, R887Q, R889Q.
Identifiers: ClinVar variation 409758 (VCV000409758.22), dbSNP rs776681643, ClinGen allele CA2923820.